The following is an entry in ClinVar:

NC_000006.11:g.(?_152949380)_(154441965_?)del

Genes: FBXO5 (F-box protein 5; minus strand), MTRF1L (mitochondrial translation release factor 1 like; minus strand), MYCT1 (MYC target 1; plus strand), OPRM1 (opioid receptor mu 1; plus strand), RGS17 (regulator of G protein signaling 17; minus strand) and 2 more. Cytogenetic location: 6q25.2.
Variant type: Deletion.
Identifiers: ClinVar variation 3246023 (VCV003246023.1).

ClinVar aggregate classification (germline): Pathogenic (1 of 4 stars; one submission).

Conditions:
Autosomal recessive ataxia, Beauce type. Also called: Spinocerebellar ataxia, autosomal recessive 8; ATAXIA, RECESSIVE, OF BEAUCE; SYNE1 Deficiency; SYNE1-Related Autosomal Recessive Cerebellar Ataxia. Identifiers: Orphanet 88644, MedGen C1853116, MONDO:0012549, OMIM 610743.
Emery-Dreifuss muscular dystrophy 4, autosomal dominant (EDMD4). Also called: EMERY-DREIFUSS MUSCULAR DYSTROPHY 4 WITH VARIABLE FEATURES. Identifiers: Orphanet 261, MedGen C2751807, MONDO:0013071, OMIM 612998.

Submission:

Labcorp Genetics (formerly Invitae), Labcorp
Classification: Pathogenic for Emery-Dreifuss muscular dystrophy 4, autosomal dominant; Autosomal recessive ataxia, Beauce type. Last evaluated: 2022-11-28. Review status: criteria provided, single submitter. Criteria: Invitae Variant Classification Sherloc (09022015). Collection method: clinical testing. Allele origin: unknown.
Comment: For these reasons, this variant has been classified as Pathogenic. This variant has not been reported in the literature in individuals affected with SYNE1-related conditions. This variant is a gross deletion of the genomic region encompassing exon(s) 1-2 of the SYNE1 gene, which includes the initiator codon. This deletion extends beyond the assayed region for this gene and therefore may encompass additional genes. It is expected to result in an absent or disrupted protein product. Loss-of-function variants in SYNE1 are known to be pathogenic (PMID: 19542096, 24319099, 27086870).

Literature cited by the submitters: PubMed 19542096; PubMed 24319099; PubMed 27086870.